The following is an entry in ClinVar:

NM_000218.3(KCNQ1):c.1794+3A>T

Gene: KCNQ1 (potassium voltage-gated channel subfamily Q member 1; plus strand). Cytogenetic location: 11p15.5.
Variant type: single nucleotide variant.
Coding change: c.1794+3A>T on transcript NM_000218.3 (MANE Select); 3 bases into the intron after coding-DNA position 1794, A replaced by T.
Molecular consequence: intron variant.
Genome position (GRCh38, 1-based): chr11:2,778,040, A>T. VCF-style: chr11-2778040-A-T. GRCh37 (hg19) VCF-style: chr11-2799270-A-T.
Other names: c.1524+3A>T (NM_001406837.1); c.1698+3A>T (NM_001406836.1); c.1254+3A>T (NM_001406838.1); c.1413+3A>T (NM_181798.2); c.306+3A>T (NM_001406839.1).
Identifiers: ClinVar variation 1780229 (VCV001780229.2), dbSNP rs969435952, ClinGen allele CA2580082668.

ClinVar aggregate classification (germline): Uncertain significance (1 of 4 stars; one submission).

Conditions:
Cardiovascular phenotype. Identifiers: MedGen CN230736.

Submission:

Ambry Genetics
Classification: Uncertain significance for Cardiovascular phenotype. Last evaluated: 2022-09-12. Review status: criteria provided, single submitter. Criteria: Ambry Variant Classification Scheme 2023. Collection method: clinical testing. Allele origin: germline.
Comment: The c.1794+3A>T intronic variant results from an A to T substitution 3 nucleotides after coding exon 15 in the KCNQ1 gene. This nucleotide position is well conserved in available vertebrate species. In silico splice site analysis predicts that this alteration may weaken the native splice donor site. Since supporting evidence is limited at this time, the clinical significance of this alteration remains unclear.